The following is an entry in ClinVar:

ClinVar aggregate classification (germline): Uncertain significance (1 of 4 stars; one submission).

Submission:

CeGaT Center for Human Genetics Tuebingen
Classification: Uncertain significance. Last evaluated: 2024-10-01. Review status: criteria provided, single submitter. Criteria: CeGaT Center For Human Genetics Tuebingen Variant Classification Criteria Version 2. Collection method: clinical testing. Allele origin: germline. Affected: yes. Observed: 1 variant allele.
Comment: GLI3: PM2

NM_000168.6(GLI3):c.2117G>T (p.Ser706Ile)

Gene: GLI3 (GLI family zinc finger 3; minus strand). Cytogenetic location: 7p14.1.
Variant type: single nucleotide variant.
Coding change: c.2117G>T on transcript NM_000168.6 (MANE Select); coding-DNA position 2117, G replaced by T.
Protein change: p.Ser706Ile; replaces serine 706 with isoleucine.
Molecular consequence: missense variant.
Genome position (GRCh38, 1-based): chr7:41,967,910, C>A on the plus strand (G>T on the coding strand, the complement: GLI3 is on the minus strand). VCF-style: chr7-41967910-C-A. GRCh37 (hg19) VCF-style: chr7-42007508-C-A.
Other names: short protein forms S706I.
Identifiers: ClinVar variation 3389932 (VCV003389932.14).